The following is an entry in ClinVar:

NM_007055.4(POLR3A):c.1754C>T (p.Pro585Leu)

Gene: POLR3A (RNA polymerase III subunit A; minus strand). Cytogenetic location: 10q22.3.
Variant type: single nucleotide variant.
Coding change: c.1754C>T on transcript NM_007055.4 (MANE Select); coding-DNA position 1754, C replaced by T.
Protein change: p.Pro585Leu; replaces proline 585 with leucine.
Molecular consequence: missense variant.
Genome position (GRCh38, 1-based): chr10:78,009,880, G>A on the plus strand (C>T on the coding strand, the complement: POLR3A is on the minus strand). VCF-style: chr10-78009880-G-A. GRCh37 (hg19) VCF-style: chr10-79769638-G-A.
Other names: short protein forms P585L.
Identifiers: ClinVar variation 1981123 (VCV001981123.2), dbSNP rs141758442, ClinGen allele CA5571345.

ClinVar aggregate classification (germline): Uncertain significance (1 of 4 stars; one submission).

Allele frequency attached by ClinVar (database versions not stated): gnomAD exomes 0.00001; ExAC 0.00002; gnomAD 0.00002; TOPMed 0.00002; ESP Exome Variant Server 0.00008.
gnomAD v4.1: 17 of 1,613,958 alleles (0.0011%); highest among the groups gnomAD compares: African/African-American, 0.0053%; no homozygotes.

Submission:

Labcorp Genetics (formerly Invitae), Labcorp
Classification: Uncertain significance. Last evaluated: 2023-10-27. Review status: criteria provided, single submitter. Criteria: Invitae Variant Classification Sherloc (09022015). Collection method: clinical testing. Allele origin: germline.
Comment: This sequence change replaces proline, which is neutral and non-polar, with leucine, which is neutral and non-polar, at codon 585 of the POLR3A protein (p.Pro585Leu). This variant is present in population databases (rs141758442, gnomAD 0.007%). This variant has not been reported in the literature in individuals affected with POLR3A-related conditions. ClinVar contains an entry for this variant (Variation ID: 1981123). Advanced modeling of protein sequence and biophysical properties (such as structural, functional, and spatial information, amino acid conservation, physicochemical variation, residue mobility, and thermodynamic stability) performed at Invitae indicates that this missense variant is not expected to disrupt POLR3A protein function with a negative predictive value of 80%. In summary, the available evidence is currently insufficient to determine the role of this variant in disease. Therefore, it has been classified as a Variant of Uncertain Significance.